The following is an entry in ClinVar:

ClinVar aggregate classification (germline): Uncertain significance (1 of 4 stars; one submission).

Conditions:
Joubert syndrome 18 (JBTS18). Identifiers: Orphanet 2754, MedGen C3553758, MONDO:0013896, OMIM 614815.
Orofacial-digital syndrome IV (OFD4). Also called: BARAITSER-BURN SYNDROME; MOHR-MAJEWSKI SYNDROME; OFD SYNDROME WITH TIBIAL DEFECTS; OFD SYNDROME, BARAITSER-BURN TYPE; OFDS IV; ORAL-FACIAL-DIGITAL SYNDROME, TYPE IV. Identifiers: Orphanet 2753, MedGen C0406727, MONDO:0009794, OMIM 258860.

Allele frequency attached by ClinVar (database versions not stated): TOPMed below 0.00001.

Submission:

Labcorp Genetics (formerly Invitae), Labcorp
Classification: Uncertain significance for Joubert syndrome 18; Orofacial-digital syndrome IV. Last evaluated: 2023-12-06. Review status: criteria provided, single submitter. Criteria: Invitae Variant Classification Sherloc (09022015). Collection method: clinical testing. Allele origin: germline.
Comment: This sequence change replaces cysteine, which is neutral and slightly polar, with serine, which is neutral and polar, at codon 121 of the TCTN3 protein (p.Cys121Ser). This variant is present in population databases (no rsID available, gnomAD 0.002%). This variant has not been reported in the literature in individuals affected with TCTN3-related conditions. ClinVar contains an entry for this variant (Variation ID: 1398260). Advanced modeling of protein sequence and biophysical properties (such as structural, functional, and spatial information, amino acid conservation, physicochemical variation, residue mobility, and thermodynamic stability) performed at Invitae indicates that this missense variant is expected to disrupt TCTN3 protein function with a positive predictive value of 80%. In summary, the available evidence is currently insufficient to determine the role of this variant in disease. Therefore, it has been classified as a Variant of Uncertain Significance.

NM_015631.6(TCTN3):c.362G>C (p.Cys121Ser)

Gene: TCTN3 (tectonic family member 3; minus strand). Cytogenetic location: 10q24.1.
Variant type: single nucleotide variant.
Coding change: c.362G>C on transcript NM_015631.6 (MANE Select); coding-DNA position 362, G replaced by C.
Protein change: p.Cys121Ser; replaces cysteine 121 with serine.
Molecular consequence: missense variant.
Genome position (GRCh38, 1-based): chr10:95,693,371, C>G on the plus strand (G>C on the coding strand, the complement: TCTN3 is on the minus strand). VCF-style: chr10-95693371-C-G. GRCh37 (hg19) VCF-style: chr10-97453128-C-G.
Other names: c.362G>C, p.Cys121Ser (NM_001143973.2); short protein forms C121S.
Identifiers: ClinVar variation 1398260 (VCV001398260.5), dbSNP rs1165732615, ClinGen allele CA377712461.
Genomic context (GRCh38, chr10:95,693,371, plus strand): 5'-CCCCAAACCCCTTTAGGATTCAGTCTGAGCAACGAAGCTCACCTTACGCTGCCTGGAAGG[C>G]AGAAGGAGAAAACTGTCCTCGGATGGAGAAGATAGCAGTCCCTGTCGCAGCAGCAATTTA-3'
Protein context (NP_056446.4, residues 111-131): LLHPRTVFSF[Cys121Ser]LPGSVRSSSW